The following is an entry in ClinVar:

NM_015662.3(IFT172):c.978dup (p.Glu327Ter)

Gene: IFT172 (intraflagellar transport 172; minus strand). Cytogenetic location: 2p23.3.
Variant type: Duplication.
Coding change: c.978dup on transcript NM_015662.3 (MANE Select); coding-DNA position 978, one base duplicated (T; older notation c.978dupT).
Protein change: p.Glu327Ter; replaces glutamic acid 327 with a stop codon.
Molecular consequence: nonsense.
Genome position (GRCh38, 1-based): chr2:27,479,536, A duplicated on the plus strand (T on the coding strand, the reverse complement: IFT172 is on the minus strand); the first of 3 consecutive A bases (chr2:27,479,536-27,479,538); duplicating any one gives the same sequence. VCF-style (leftmost placement, unchanged base first): chr2-27479535-C-CA. GRCh37 (hg19) VCF-style: chr2-27702402-C-CA.
Other names: c.978dup, p.Glu327Ter (NM_001410739.1); short protein forms E327*.
Identifiers: ClinVar variation 2941237 (VCV002941237.5), dbSNP rs2465998558, ClinGen allele CA2740092804.

ClinVar aggregate classification (germline): Pathogenic/Likely pathogenic. Review status: criteria provided, multiple submitters, no conflicts (2 of 4 stars). 3 submissions from 3 submitters: Pathogenic (2); Likely pathogenic (1). Last evaluated 2026-08-01.

Conditions:
Short-rib thoracic dysplasia 10 with or without polydactyly (SRTD10). Identifiers: Orphanet 474, MedGen C3810175, MONDO:0014284, OMIM 615630.
Bardet-Biedl syndrome 20. Identifiers: MedGen C4310707, MONDO:0023670, OMIM 619471, MONDO:0014926.
Retinitis pigmentosa 71 (RP71). Identifiers: Orphanet 791, MedGen C4225342, MONDO:0014618, OMIM 616394.

Submissions (3):

CeGaT Center for Human Genetics Tuebingen
Classification: Pathogenic. Last evaluated: 2026-08-01. Review status: criteria provided, single submitter. Criteria: CeGaT Center For Human Genetics Tuebingen Variant Classification Criteria Version 2. Collection method: clinical testing. Allele origin: germline. Affected: yes. Observed: 1 variant allele.
Comment: IFT172: PVS1, PM2

Labcorp Genetics (formerly Invitae), Labcorp
Classification: Pathogenic for Retinitis pigmentosa 71; Short-rib thoracic dysplasia 10 with or without polydactyly. Last evaluated: 2026-01-05. Review status: criteria provided, single submitter. Criteria: Invitae Variant Classification Sherloc (09022015). Collection method: clinical testing. Allele origin: germline.
Comment: This sequence change creates a premature translational stop signal (p.Glu327*) in the IFT172 gene. It is expected to result in an absent or disrupted protein product. Loss-of-function variants in IFT172 are known to be pathogenic (PMID: 24140113). This variant is not present in population databases (gnomAD no frequency). This variant has not been reported in the literature in individuals affected with IFT172-related conditions. ClinVar contains an entry for this variant (Variation ID: 2941237). For these reasons, this variant has been classified as Pathogenic.

Fulgent Genetics
Classification: Likely pathogenic for Short-rib thoracic dysplasia 10 with or without polydactyly; Retinitis pigmentosa 71; Bardet-Biedl syndrome 20. Last evaluated: 2024-04-25. Review status: criteria provided, single submitter. Criteria: ACMG Guidelines, 2015. Collection method: clinical testing. Allele origin: germline.

Literature cited by the submitters: PubMed 24140113 (cited by Labcorp Genetics (formerly Invitae), Labcorp).